The following is an entry in ClinVar:

ClinVar aggregate classification (germline): Benign/Likely benign. Review status: criteria provided, multiple submitters, no conflicts (2 of 4 stars). 9 submissions from 8 submitters: Benign (3); Likely benign (5). 1 of the submissions does not count toward it. Last evaluated 2026-02-02.

Conditions:
Usher syndrome type 2A. Also called: USHER SYNDROME, TYPE IIA; RETINAL DISEASE IN USHER SYNDROME TYPE IIA, MODIFIER OF. Identifiers: Orphanet 231178, Orphanet 886, MedGen C1848634, MONDO:0010169, OMIM 276901.
Inborn genetic diseases. Identifiers: MedGen C0950123, MeSH D030342.
Retinitis pigmentosa 39 (RP39). Identifiers: Orphanet 791, MedGen C3151138, MONDO:0013436, OMIM 613809.

Allele frequency attached by ClinVar (database versions not stated): gnomAD exomes 0.00027 and 0.00081; ExAC 0.00099; 1000 Genomes Project 0.00240; 1000 Genomes Project 30x 0.00250; gnomAD 0.00308 and 0.00327; TOPMed 0.00326; ESP Exome Variant Server 0.00369.
gnomAD v4.1: 875 of 1,613,848 alleles (0.054%); highest among the groups gnomAD compares: African/African-American, 1.1%; 5 homozygotes.

Submissions (9):

Labcorp Genetics (formerly Invitae), Labcorp
Classification: Benign. Last evaluated: 2026-02-02. Review status: criteria provided, single submitter. Criteria: Invitae Variant Classification Sherloc (09022015). Collection method: clinical testing. Allele origin: germline.

Blueprint Genetics
Classification: Likely benign. Last evaluated: 2024-11-01. Review status: criteria provided, single submitter. Criteria: ACMG Guidelines, 2015. Collection method: clinical testing. Allele origin: germline.

Genome-Nilou Lab
Classification: Likely benign for Retinitis pigmentosa 39. Last evaluated: 2023-11-04. Review status: criteria provided, single submitter. Criteria: ACMG Guidelines, 2015. Collection method: clinical testing. Allele origin: germline. Affected: no.

Genome-Nilou Lab
Classification: Likely benign for Usher syndrome type 2A. Last evaluated: 2023-11-04. Review status: criteria provided, single submitter. Criteria: ACMG Guidelines, 2015. Collection method: clinical testing. Allele origin: germline. Affected: no.

Ambry Genetics
Classification: Likely benign for Inborn genetic diseases. Last evaluated: 2022-12-01. Review status: criteria provided, single submitter. Criteria: Ambry Variant Classification Scheme 2023. Collection method: clinical testing. Allele origin: germline.

GeneDx
Classification: Likely benign. Last evaluated: 2021-04-14. Review status: criteria provided, single submitter. Criteria: GeneDx Variant Classification Process June 2021. Collection method: clinical testing. Allele origin: germline. Affected: yes.

ARUP Laboratories, Molecular Genetics and Genomics, ARUP Laboratories
Classification: Benign. Last evaluated: 2019-03-12. Review status: criteria provided, single submitter. Criteria: ARUP Molecular Germline Variant Investigation Process. Collection method: clinical testing. Allele origin: germline.

Laboratory for Molecular Medicine, Mass General Brigham Personalized Medicine
Classification: Benign. Last evaluated: 2013-11-13. Review status: criteria provided, single submitter. Criteria: LMM Criteria. Collection method: clinical testing. Allele origin: germline. Observed: 3 variant alleles.
Comment: Thr1515Ala in Exon 21A of USH2A: This variant is not expected to have clinical s ignificance because it has been identified in 1.1% (48/4406) of African American chromosomes from a broad population by the NHLBI Exome Sequencing Project (dbSNP rs141671082). In addition, the threonine (Th r) residue at position 1515 is poorly conserved across species with several mam mals (rat, mouse, kangaroo rat) having an alanine (Ala) at this position.

Natera, Inc.
Classification: Likely benign for Usher syndrome type 2A. Last evaluated: 2019-12-18. Review status: no assertion criteria provided. Collection method: clinical testing. Allele origin: germline. Not counted in ClinVar's aggregate classification.

NM_206933.4(USH2A):c.4543A>G (p.Thr1515Ala)

Gene: USH2A (usherin; minus strand). Cytogenetic location: 1q41.
Variant type: single nucleotide variant.
Coding change: c.4543A>G on transcript NM_206933.4 (MANE Select); coding-DNA position 4543, A replaced by G.
Protein change: p.Thr1515Ala; replaces threonine 1515 with alanine.
Molecular consequence: missense variant.
Genome position (GRCh38, 1-based): chr1:216,175,336, T>C on the plus strand (A>G on the coding strand, the complement: USH2A is on the minus strand). VCF-style: chr1-216175336-T-C. GRCh37 (hg19) VCF-style: chr1-216348678-T-C.
Other names: c.4543A>G, p.Thr1515Ala (NM_007123.6); short protein forms T1515A.
Identifiers: ClinVar variation 178681 (VCV000178681.29), dbSNP rs141671082, ClinGen allele CA182774.
Genomic context (GRCh38, chr1:216,175,336, plus strand): 5'-GAGTGGAGCTGGGAAATTTACAATACCCATTTCCTATGAAACGGATTCCTTTCATCATCG[T>C]GGTCATCAGAGCTGGTAGAGATGACTCTCTCCTTTCCAGCTGATATATAGGAGAGGGTCC-3'
Protein context (NP_996816.3, residues 1505-1525): RESSLPALMT[Thr1515Ala]MMKGIRFIGN